The following is an entry in ClinVar:

ClinVar aggregate classification (germline): Likely pathogenic (1 of 4 stars; one submission).

Conditions:
Carnitine palmitoyl transferase 1A deficiency. Also called: CPT I DEFICIENCY; CPT DEFICIENCY, HEPATIC, TYPE I; Carnitine palmitoyltransferase type I deficiency; CPT deficiency, hepatic, type IA; Carnitine palmitoyltransferase 1A deficiency. Identifiers: Orphanet 156, MedGen C1829703, MONDO:0009705, OMIM 255120.

Submission:

Natera, Inc.
Classification: Likely pathogenic for Carnitine palmitoyltransferase type I deficiency. Last evaluated: 2025-08-07. Review status: criteria provided, single submitter. Criteria: Natera Variant Classification Schema (03/2026). Collection method: clinical testing. Allele origin: germline.
Comment: The c.2169_2171dup variant in CPT1A is an in-frame duplication. This variant is expected to result in nonsense mediated decay, truncation, or a dysfunctional protein product. This variant is rare in the general population with a frequency below the threshold expected for the associated phenotype(s). Given the available evidence, this variant is classified as Likely Pathogenic.

NM_001876.4(CPT1A):c.2169_2171dup (p.Tyr724Ter)

Gene: CPT1A (carnitine palmitoyltransferase 1A; minus strand). Cytogenetic location: 11q13.3.
Variant type: Duplication.
Coding change: c.2169_2171dup on transcript NM_001876.4 (MANE Select); coding-DNA positions 2169 to 2171, 3 bases duplicated (GTA; older notation c.2169_2171dupGTA).
Protein change: p.Tyr724Ter; replaces tyrosine 724 with a stop codon.
Molecular consequence: nonsense. On other transcripts: intron variant (1).
Genome position (GRCh38, 1-based): chr11:68,759,633-68,759,635, TAC duplicated on the plus strand (GTA on the coding strand, the reverse complement: CPT1A is on the minus strand). VCF-style (leftmost placement, unchanged base first): chr11-68759632-G-GTAC. GRCh37 (hg19) VCF-style: chr11-68527100-G-GTAC.
Other names: c.2169_2171dup, p.Tyr724Ter (NM_001031847.3, NM_001440358.1, NM_001440359.1 and 1 more transcripts); c.2061_2063dup, p.Tyr688Ter (NM_001440363.1); c.2016_2018dup, p.Tyr673Ter (NM_001440364.1); c.1983_1985dup, p.Tyr662Ter (NM_001440365.1); c.2142+590_2142+592dup (NM_001440362.1); short protein forms Y662*, Y673*, Y688*, Y724*.
Identifiers: ClinVar variation 4814974 (VCV004814974.1).